The following is an entry in ClinVar:

NM_000533.5(PLP1):c.194T>G (p.Ile65Ser)

Genes: PLP1 (proteolipid protein 1; plus strand), RAB9B (RAB9B, member RAS oncogene family; minus strand). Cytogenetic location: Xq22.2.
Variant type: single nucleotide variant.
Coding change: c.194T>G on transcript NM_000533.5 (MANE Select); coding-DNA position 194, T replaced by G.
Protein change: p.Ile65Ser; replaces isoleucine 65 with serine.
Molecular consequence: missense variant.
Genome position (GRCh38, 1-based): chrX:103,786,467, T>G. VCF-style: chrX-103786467-T-G. GRCh37 (hg19) VCF-style: chrX-103041396-T-G.
Other names: c.194T>G, p.Ile65Ser (NM_001128834.3, NM_199478.3); c.29T>G, p.Ile10Ser (NM_001305004.1); short protein forms I10S, I65S.
Identifiers: ClinVar variation 1328556 (VCV001328556.26), dbSNP rs1191076247, ClinGen allele CA414102399.

ClinVar aggregate classification (germline): Uncertain significance. Review status: criteria provided, multiple submitters, no conflicts (2 of 4 stars). 2 submissions from 2 submitters: Uncertain significance (2). Last evaluated 2023-12-01.

Conditions:
Hereditary spastic paraplegia 2 (SPG2). Also called: Spastic Paraplegia 2 (SPG2); SPASTIC PARAPLEGIA 2, X-LINKED. Identifiers: Orphanet 99015, MedGen C0751604, MONDO:0010733, OMIM 312920.

gnomAD v4.1: 4 of 1,208,290 alleles (0.00033%); highest among the groups gnomAD compares: Non-Finnish European, 0.00045%; no homozygotes.

Submissions (2):

CeGaT Center for Human Genetics Tuebingen
Classification: Uncertain significance. Last evaluated: 2023-12-01. Review status: criteria provided, single submitter. Criteria: CeGaT Center For Human Genetics Tuebingen Variant Classification Criteria Version 2. Collection method: clinical testing. Allele origin: germline. Affected: yes. Observed: 1 variant allele.
Comment: PLP1: PM2, PP2, PP3

Illumina Laboratory Services, Illumina
Classification: Uncertain significance for Hereditary spastic paraplegia 2. Last evaluated: 2021-05-14. Review status: criteria provided, single submitter. Criteria: ICSLVariantClassificationCriteria RUGD 01 April 2020. Collection method: clinical testing. Allele origin: unknown.
Comment: The PLP1 c.194T>G (p.Ile65Ser) variant is a missense variant. A literature search was performed for the gene, cDNA change, and amino acid change. No publications were found based on this search. This variant is not found in version 2.1.1 or version 3.1.1 of the Genome Aggregation Database despite its location in a region of good sequencing coverage, which suggests the variant is rare. The p.Ile65Ser variant is located in a transmembrane helical region, in which other missense variants have been reported in association with disease, and in which no benign missense variation has been reported in ClinVar. In silico predictions suggest that this variant may be damaging to the protein structure and/or function, though these predictions have not been experimentally confirmed. Based on the available evidence, the p.Ile65Ser variant is classified as a variant of uncertain significance for Pelizaeus-Merzbacher disease.